The following is an entry in ClinVar:

NM_006044.4(HDAC6):c.807-2dup

Gene: HDAC6 (histone deacetylase 6; plus strand). Cytogenetic location: Xp11.23.
Variant type: Duplication.
Coding change: c.807-2dup on transcript NM_006044.4 (MANE Select); the canonical splice acceptor site of the intron before coding-DNA position 807, one base duplicated (A; older notation c.807-2dupA).
Molecular consequence: splice acceptor variant.
Genome position (GRCh38, 1-based): chrX:48,814,438, A duplicated. VCF-style (leftmost placement, unchanged base first): chrX-48814437-C-CA. GRCh37 (hg19) VCF-style: chrX-48672844-C-CA.
Other names: c.849-2dup (NM_001321225.2); c.807-2dup (NM_001321229.1, NM_001321226.2, NM_001321227.2 and 1 more transcripts).
Identifiers: ClinVar variation 3054797 (VCV003054797.2), dbSNP rs782001291, ClinGen allele CA10404938.

ClinVar aggregate classification (germline): Likely benign (0 of 4 stars; one submission).

Conditions:
HDAC6-related disorder. Also called: HDAC6-related condition.

Allele frequency attached by ClinVar (database versions not stated): ESP Exome Variant Server 0.00039; 1000 Genomes Project 30x 0.00042; ExAC 0.00052; 1000 Genomes Project 0.00053; TOPMed 0.00053; gnomAD 0.00062; gnomAD exomes 0.00070.

Submission:

PreventionGenetics, part of Exact Sciences
Classification: Likely benign for HDAC6-related condition. Last evaluated: 2022-05-25. Review status: no assertion criteria provided. Collection method: clinical testing. Allele origin: germline.
Comment: This variant is classified as likely benign based on ACMG/AMP sequence variant interpretation guidelines (Richards et al. 2015 PMID: 25741868, with internal and published modifications).